The following is an entry in ClinVar:

ClinVar aggregate classification (germline): Pathogenic/Likely pathogenic. Review status: criteria provided, multiple submitters, no conflicts (2 of 4 stars). 2 submissions from 2 submitters: Pathogenic (1); Likely pathogenic (1). Last evaluated 2021-06-21.

Conditions:
Intellectual disability, autosomal dominant 14 (CSS2). Also called: COFFIN-SIRIS SYNDROME 2. Identifiers: Orphanet 1465, MedGen C3553247, MONDO:0013819, OMIM 614607.

Submissions (2):

GeneDx
Classification: Pathogenic. Last evaluated: 2021-06-21. Review status: criteria provided, single submitter. Criteria: GeneDx Variant Classification Process June 2021. Collection method: clinical testing. Allele origin: germline. Affected: yes.
Comment: Not observed in large population cohorts (Lek et al., 2016); In silico analysis supports that this missense variant has a deleterious effect on protein structure/function; Has not been previously published as pathogenic or benign to our knowledge; This variant is associated with the following publications: (PMID: 27535533)

Broad Center for Mendelian Genomics, Broad Institute of MIT and Harvard
Classification: Likely pathogenic for Intellectual disability, autosomal dominant 14. Last evaluated: 2018-06-15. Review status: criteria provided, single submitter. Criteria: ACMG Guidelines, 2015. Collection method: research. Allele origin: germline. Inheritance: Autosomal dominant inheritance. Affected: yes.
Comment: Trio exome analysis showed this variant to be de novo. This variant was absent from large population studies. The Tryptophan (Trp) at position 1023 is highly conserved in mammals and evolutionarily distant species, supporting that a change at this position may not be tolerated. In summary, although additional studies are required to fully establish its pathogenicity, this variant is likely pathogenic.

NM_006015.6(ARID1A):c.3067T>C (p.Trp1023Arg)

Gene: ARID1A (AT-rich interaction domain 1A; plus strand). Cytogenetic location: 1p36.11.
Variant type: single nucleotide variant.
Coding change: c.3067T>C on transcript NM_006015.6 (MANE Select); coding-DNA position 3067, T replaced by C.
Protein change: p.Trp1023Arg; replaces tryptophan 1023 with arginine.
Molecular consequence: missense variant.
Genome position (GRCh38, 1-based): chr1:26,767,868, T>C. VCF-style: chr1-26767868-T-C. GRCh37 (hg19) VCF-style: chr1-27094359-T-C.
Other names: c.3067T>C, p.Trp1023Arg (NM_139135.4); short protein forms W1023R.
Identifiers: ClinVar variation 635055 (VCV000635055.4), dbSNP rs1557612048, ClinGen allele CA339163162.